The following is an entry in ClinVar:

NM_001369.3(DNAH5):c.5601_5604dup (p.Thr1869fs)

Gene: DNAH5 (dynein axonemal heavy chain 5; minus strand). Cytogenetic location: 5p15.2.
Variant type: Duplication.
Coding change: c.5601_5604dup on transcript NM_001369.3 (MANE Select); coding-DNA positions 5601 to 5604, 4 bases duplicated (CAAT; older notation c.5601_5604dupCAAT).
Protein change: p.Thr1869fs; shifts the reading frame from threonine 1869.
Molecular consequence: frameshift variant.
Genome position (GRCh38, 1-based): chr5:13,841,011-13,841,014, ATTG duplicated on the plus strand (CAAT on the coding strand, the reverse complement: DNAH5 is on the minus strand); duplicating any 4 consecutive bases within chr5:13,841,011-13,841,015 gives the same sequence; the c. name uses the placement nearest the transcript's 3' end. VCF-style (leftmost placement, unchanged base first): chr5-13841010-T-TATTG. GRCh37 (hg19) VCF-style: chr5-13841119-T-TATTG.
Other names: short protein forms T1869fs.
Identifiers: ClinVar variation 2033444 (VCV002033444.6), dbSNP rs2546908228, ClinGen allele CA2580072071.

ClinVar aggregate classification (germline): Pathogenic/Likely pathogenic. Review status: criteria provided, multiple submitters, no conflicts (2 of 4 stars). 2 submissions from 2 submitters: Pathogenic (1); Likely pathogenic (1). Last evaluated 2023-04-20.

Conditions:
Primary ciliary dyskinesia. Also called: Ciliary dyskinesia. Identifiers: Orphanet 244, MedGen C0008780, MONDO:0016575, HP:0012265.
Primary ciliary dyskinesia 3. Identifiers: Orphanet 244, MedGen C1837618, MONDO:0012085, OMIM 608644.

Submissions (2):

Labcorp Genetics (formerly Invitae), Labcorp
Classification: Pathogenic for Primary ciliary dyskinesia. Last evaluated: 2023-04-20. Review status: criteria provided, single submitter. Criteria: Invitae Variant Classification Sherloc (09022015). Collection method: clinical testing. Allele origin: germline.
Comment: This variant is not present in population databases (gnomAD no frequency). For these reasons, this variant has been classified as Pathogenic. ClinVar contains an entry for this variant (Variation ID: 2033444). This variant has not been reported in the literature in individuals affected with DNAH5-related conditions. This sequence change creates a premature translational stop signal (p.Thr1869Glnfs*34) in the DNAH5 gene. It is expected to result in an absent or disrupted protein product. Loss-of-function variants in DNAH5 are known to be pathogenic (PMID: 11788826, 16627867).

Juno Genomics, Hangzhou Juno Genomics, Inc
Classification: Likely pathogenic for Primary ciliary dyskinesia 3. Review status: criteria provided, single submitter. Criteria: ACMG Guidelines, 2015. Collection method: clinical testing. Allele origin: germline.
Comment: Null variant in a gene where loss of function (LOF) is a known mechanism of disease.;Absent from controls (or at extremely low frequency if recessive) in Genome Aggregation Database.

Literature cited by the submitters: PubMed 11788826 (cited by Labcorp Genetics (formerly Invitae), Labcorp); PubMed 16627867 (cited by Labcorp Genetics (formerly Invitae), Labcorp).